The following is an entry in ClinVar:

ClinVar aggregate classification (germline): Likely benign (0 of 4 stars; one submission).

Conditions:
VARS2-related disorder. Also called: VARS2-related disorders; VARS2-related condition.

Submission:

PreventionGenetics, part of Exact Sciences
Classification: Likely benign for VARS2-related condition. Last evaluated: 2024-08-30. Review status: no assertion criteria provided. Collection method: clinical testing. Allele origin: germline.
Comment: This variant is classified as likely benign based on ACMG/AMP sequence variant interpretation guidelines (Richards et al. 2015 PMID: 25741868, with internal and published modifications).

NM_020442.6(VARS2):c.1735+3G>A

Genes: VARS2 (valyl-tRNA synthetase 2, mitochondrial; plus strand), LOC126859646 (MED14-independent group 3 enhancer GRCh37_chr6:30889690-30890889; plus strand). Cytogenetic location: 6p21.33.
Variant type: single nucleotide variant.
Coding change: c.1735+3G>A on transcript NM_020442.6 (MANE Select); 3 bases into the intron after coding-DNA position 1735, G replaced by A.
Molecular consequence: intron variant.
Genome position (GRCh38, 1-based): chr6:30,921,694, G>A. VCF-style: chr6-30921694-G-A. GRCh37 (hg19) VCF-style: chr6-30889471-G-A.
Other names: c.1825+3G>A (NM_001167734.2); c.1315+3G>A (NM_001167733.3).
Identifiers: ClinVar variation 3345597 (VCV003345597.1).